The following is an entry in ClinVar:

ClinVar aggregate classification (germline): Uncertain significance (1 of 4 stars; one submission).

Conditions:
Epilepsy, familial adult myoclonic, 5 (EPEO5). Also called: CORTICAL MYOCLONIC TREMOR WITH EPILEPSY, FAMILIAL, 5. Identifiers: Orphanet 86814, MedGen C3809374, MONDO:0014167, OMIM 615400.

Submission:

Labcorp Genetics (formerly Invitae), Labcorp
Classification: Uncertain significance for Epilepsy, familial adult myoclonic, 5. Last evaluated: 2021-09-19. Review status: criteria provided, single submitter. Criteria: Invitae Variant Classification Sherloc (09022015). Collection method: clinical testing. Allele origin: germline.
Comment: In summary, the available evidence is currently insufficient to determine the role of this variant in disease. Therefore, it has been classified as a Variant of Uncertain Significance. Advanced modeling of protein sequence and biophysical properties (such as structural, functional, and spatial information, amino acid conservation, physicochemical variation, residue mobility, and thermodynamic stability) performed at Invitae indicates that this missense variant is not expected to disrupt CNTN2 protein function. This variant has not been reported in the literature in individuals affected with CNTN2-related conditions. This variant is not present in population databases (ExAC no frequency). This sequence change replaces proline with threonine at codon 246 of the CNTN2 protein (p.Pro246Thr). The proline residue is highly conserved and there is a small physicochemical difference between proline and threonine.

NM_005076.5(CNTN2):c.736C>A (p.Pro246Thr)

Gene: CNTN2 (contactin 2; plus strand). Cytogenetic location: 1q32.1.
Variant type: single nucleotide variant.
Coding change: c.736C>A on transcript NM_005076.5 (MANE Select); coding-DNA position 736, C replaced by A.
Protein change: p.Pro246Thr; replaces proline 246 with threonine.
Molecular consequence: missense variant. On other transcripts: non-coding transcript variant (1).
Genome position (GRCh38, 1-based): chr1:205,059,621, C>A. VCF-style: chr1-205059621-C-A. GRCh37 (hg19) VCF-style: chr1-205028749-C-A.
Other names: c.736C>A, p.Pro246Thr (NM_001346083.2); short protein forms P246T.
Identifiers: ClinVar variation 1446227 (VCV001446227.6), dbSNP rs2151190542, ClinGen allele CA344407504.